The following is an entry in ClinVar:

ClinVar aggregate classification (germline): Benign/Likely benign. Review status: criteria provided, multiple submitters, no conflicts (2 of 4 stars). 5 submissions from 5 submitters: Benign (1); Likely benign (3). 1 of the submissions does not count toward it. Last evaluated 2026-01-12.

Conditions:
VPS35-related disorder. Also called: VPS35-related condition.
Parkinson disease 17 (PARK17). Also called: VPS35-Related Parkinson Disease. Identifiers: Orphanet 411602, MedGen C3280133, MONDO:0013625, OMIM 614203.

Allele frequency attached by ClinVar (database versions not stated): 1000 Genomes Project 0.00020; 1000 Genomes Project 30x 0.00031; ESP Exome Variant Server 0.00031; gnomAD exomes 0.00033 and 0.00034; TOPMed 0.00033; ExAC 0.00038; gnomAD 0.00048 and 0.00052.
gnomAD v4.1: 546 of 1,614,048 alleles (0.034%); highest among the groups gnomAD compares: Non-Finnish European, 0.041%; no homozygotes.

Submissions (5):

Labcorp Genetics (formerly Invitae), Labcorp
Classification: Benign for Parkinson disease 17. Last evaluated: 2026-01-12. Review status: criteria provided, single submitter. Criteria: Invitae Variant Classification Sherloc (09022015). Collection method: clinical testing. Allele origin: germline.

CeGaT Center for Human Genetics Tuebingen
Classification: Likely benign. Last evaluated: 2025-07-01. Review status: criteria provided, single submitter. Criteria: CeGaT Center For Human Genetics Tuebingen Variant Classification Criteria Version 2. Collection method: clinical testing. Allele origin: germline. Affected: yes. Observed: 5 variant alleles.
Comment: VPS35: BP4, BP7

Blueprint Genetics
Classification: Likely benign. Last evaluated: 2024-11-27. Review status: criteria provided, single submitter. Criteria: ACMG Guidelines, 2015. Collection method: clinical testing. Allele origin: germline.

Illumina Laboratory Services, Illumina
Classification: Likely benign for Parkinson disease 17. Last evaluated: 2018-03-06. Review status: criteria provided, single submitter. Criteria: ICSL Variant Classification Criteria 13 December 2019. Collection method: clinical testing. Allele origin: germline.
Comment: This variant was observed in the ICSL laboratory as part of a predisposition screen in an ostensibly healthy population. It had not been previously curated by ICSL or reported in the Human Gene Mutation Database (HGMD: prior to June 1st, 2018), and was therefore a candidate for classification through an automated scoring system. Utilizing variant allele frequency, disease prevalence and penetrance estimates, and inheritance mode, an automated score was calculated to assess if this variant is too frequent to cause the disease. Based on the score and internal cut-off values, a variant classified as likely benign is not then subjected to further curation. The score for this variant resulted in a classification of likely benign for this disease.

PreventionGenetics, part of Exact Sciences
Classification: Likely benign for VPS35-related condition. Last evaluated: 2024-04-18. Review status: no assertion criteria provided. Collection method: clinical testing. Allele origin: germline. Not counted in ClinVar's aggregate classification.
Comment: This variant is classified as likely benign based on ACMG/AMP sequence variant interpretation guidelines (Richards et al. 2015 PMID: 25741868, with internal and published modifications).

NM_018206.6(VPS35):c.2145A>G (p.Leu715=)

Gene: VPS35 (VPS35 retromer complex component; minus strand). Cytogenetic location: 16q11.2.
Variant type: single nucleotide variant.
Coding change: c.2145A>G on transcript NM_018206.6 (MANE Select); coding-DNA position 2145, A replaced by G.
Protein change: p.Leu715=; no amino-acid change (leucine 715 retained).
Molecular consequence: synonymous variant.
Genome position (GRCh38, 1-based): chr16:46,661,784, T>C on the plus strand (A>G on the coding strand, the complement: VPS35 is on the minus strand). VCF-style: chr16-46661784-T-C. GRCh37 (hg19) VCF-style: chr16-46695696-T-C.
Other names: c.2145A>G (NM_018206.5).
Identifiers: ClinVar variation 707481 (VCV000707481.36), dbSNP rs145033509, ClinGen allele CA8036641.